The following is an entry in ClinVar:

NM_001350162.2(TEX15):c.4036C>T (p.Arg1346Ter)

Gene: TEX15 (testis expressed 15, meiosis and synapsis associated; minus strand). Cytogenetic location: 8p12.
Variant type: single nucleotide variant.
Coding change: c.4036C>T on transcript NM_001350162.2 (MANE Select); coding-DNA position 4036, C replaced by T.
Protein change: p.Arg1346Ter; replaces arginine 1346 with a stop codon.
Molecular consequence: nonsense.
Genome position (GRCh38, 1-based): chr8:30,846,131, G>A on the plus strand (C>T on the coding strand, the complement: TEX15 is on the minus strand). VCF-style: chr8-30846131-G-A. GRCh37 (hg19) VCF-style: chr8-30703647-G-A.
Other names: short protein forms R1346*.
Identifiers: ClinVar variation 2065070 (VCV002065070.3), dbSNP rs62000447, ClinGen allele CA4703126.

ClinVar aggregate classification (germline): Conflicting classifications of pathogenicity. Review status: criteria provided, conflicting classifications (1 of 4 stars). 3 submissions from 3 submitters: Pathogenic (1); Likely pathogenic (1); Uncertain significance (1). Last evaluated 2026-03-05.

Conditions:
Spermatogenic failure 25. Identifiers: MedGen C4693765, MONDO:0054729, OMIM 617960.

Allele frequency attached by ClinVar (database versions not stated): gnomAD 0.00020; gnomAD exomes 0.00025; ESP Exome Variant Server 0.00031; 1000 Genomes Project 0.00040; TOPMed 0.00013; ExAC 0.00034; 1000 Genomes Project 30x 0.00047.
gnomAD v4.1: 398 of 1,613,368 alleles (0.025%); highest among the groups gnomAD compares: Non-Finnish European, 0.028%; no homozygotes.

Submissions (3):

Mendelics
Classification: Uncertain significance for Spermatogenic failure 25. Last evaluated: 2026-03-05. Review status: criteria provided, single submitter. Criteria: ACMG Guidelines, 2015. Collection method: clinical testing. Allele origin: unknown.
Comment: The available evidence is insufficient to conclusively determine the role of this variant. Therefore, it is classified as a Variant of Uncertain Significance.

Department of Pathology and Laboratory Medicine, Sinai Health System
Classification: Likely pathogenic for Spermatogenic failure 25. Last evaluated: 2022-10-31. Review status: criteria provided, single submitter. Criteria: ACMG Guidelines, 2015. Collection method: research. Allele origin: germline.

Labcorp Genetics (formerly Invitae), Labcorp
Classification: Pathogenic. Last evaluated: 2017-11-19. Review status: criteria provided, single submitter. Criteria: Invitae Variant Classification Sherloc (09022015). Collection method: clinical testing. Allele origin: germline.
Comment: This sequence change creates a premature translational stop signal (p.Arg963*) in the TEX15 gene. It is expected to result in an absent or disrupted protein product. This variant is present in population databases (rs62000447, ExAC 0.1%). This variant has not been reported in the literature in individuals with TEX15-related disease. Loss-of-function variants in TEX15 are known to be pathogenic (PMID: 26199321, 28303806). For these reasons, this variant has been classified as Pathogenic.

Literature cited by the submitters: PubMed 26199321 (cited by Labcorp Genetics (formerly Invitae), Labcorp); PubMed 28303806 (cited by Labcorp Genetics (formerly Invitae), Labcorp).